The following is an entry in ClinVar:

NM_000179.3(MSH6):c.4007T>C (p.Val1336Ala)

Gene: MSH6 (mutS homolog 6; plus strand). Cytogenetic location: 2p16.3.
Variant type: single nucleotide variant.
Coding change: c.4007T>C on transcript NM_000179.3 (MANE Select); coding-DNA position 4007, T replaced by C.
Protein change: p.Val1336Ala; replaces valine 1336 with alanine.
Molecular consequence: missense variant.
Genome position (GRCh38, 1-based): chr2:47,806,784, T>C. VCF-style: chr2-47806784-T-C. GRCh37 (hg19) VCF-style: chr2-48033923-T-C.
Other names: c.3617T>C, p.Val1206Ala (NM_001281492.2); c.3101T>C, p.Val1034Ala (NM_001281493.2, NM_001281494.2); short protein forms V1336A, V1206A, V1034A.
Identifiers: ClinVar variation 628901 (VCV000628901.5), dbSNP rs1558395526, ClinGen allele CA346761631.

ClinVar aggregate classification (germline): Uncertain significance. Review status: criteria provided, multiple submitters, no conflicts (2 of 4 stars). 2 submissions from 2 submitters: Uncertain significance (2). Last evaluated 2024-03-17.

Conditions:
Hereditary cancer-predisposing syndrome. Also called: Neoplastic Syndromes, Hereditary; Tumor predisposition; Hereditary neoplastic syndrome; Hereditary Cancer Syndrome. Identifiers: Orphanet 140162, MedGen C0027672, MeSH D009386, MONDO:0015356.

Submissions (2):

Ambry Genetics
Classification: Uncertain significance for Hereditary cancer-predisposing syndrome. Last evaluated: 2024-03-17. Review status: criteria provided, single submitter. Criteria: Ambry Variant Classification Scheme 2023. Collection method: clinical testing. Allele origin: germline.
Comment: The p.V1336A variant (also known as c.4007T>C), located in coding exon 10 of the MSH6 gene, results from a T to C substitution at nucleotide position 4007. The valine at codon 1336 is replaced by alanine, an amino acid with similar properties. This amino acid position is conserved. In addition, the in silico prediction for this alteration is inconclusive. Based on the available evidence, the clinical significance of this alteration remains unclear.

Color Diagnostics, LLC DBA Color Health
Classification: Uncertain significance for Hereditary cancer-predisposing syndrome. Last evaluated: 2023-12-04. Review status: criteria provided, single submitter. Criteria: ACMG Guidelines, 2015. Collection method: clinical testing. Allele origin: germline.
Comment: This missense variant replaces valine with alanine at codon 1336 of the MSH6 protein. Computational prediction suggests that this variant may not impact protein structure and function (internally defined REVEL score threshold <= 0.5, PMID: 27666373). To our knowledge, functional studies have not been reported for this variant. This variant has not been reported in individuals affected with MSH6-related disorders in the literature. This variant has not been identified in the general population by the Genome Aggregation Database (gnomAD). The available evidence is insufficient to determine the role of this variant in disease conclusively. Therefore, this variant is classified as a Variant of Uncertain Significance.